The following is an entry in ClinVar:

NM_000540.3(RYR1):c.9686-9G>A

Gene: RYR1 (ryanodine receptor 1; plus strand). Cytogenetic location: 19q13.2.
Variant type: single nucleotide variant.
Coding change: c.9686-9G>A on transcript NM_000540.3 (MANE Select); 9 bases into the intron before coding-DNA position 9686, G replaced by A.
Molecular consequence: intron variant.
Genome position (GRCh38, 1-based): chr19:38,517,350, G>A. VCF-style: chr19-38517350-G-A. GRCh37 (hg19) VCF-style: chr19-39007990-G-A.
Other names: c.9686-9G>A (NM_001042723.2).
Identifiers: ClinVar variation 3073172 (VCV003073172.1), dbSNP rs2514432056, ClinGen allele CA2584904069.

ClinVar aggregate classification (germline): Likely benign (1 of 4 stars; one submission).

Conditions:
Malignant hyperthermia, susceptibility to, 1 (MHS1). Also called: Anesthesia related hyperthermia; Malignant hyperpyrexia; Fulminating hyperpyrexia; Pharmacogenic myopathy; RYR1-Related Malignant Hyperthermia Susceptibility; Malignant hyperthermia suceptibility 1. Identifiers: Orphanet 423, MedGen C2930980, MONDO:0007783, OMIM 145600.

Allele frequency attached by ClinVar (database versions not stated): gnomAD exomes below 0.00001.

Submission:

All of Us Research Program, National Institutes of Health
Classification: Likely benign for Malignant hyperthermia, susceptibility to, 1. Last evaluated: 2023-08-28. Review status: criteria provided, single submitter. Criteria: ACMG Guidelines, 2015. Collection method: clinical testing. Allele origin: germline. Inheritance: Autosomal dominant inheritance. Observed: 1 variant allele, 1 heterozygote.
Comment: This study involves interpretation of variants in research participants for the purpose of population health screening. Participant phenotype was not available at the time of variant classification. Additional details can be found in publication PMID: 35346344, PMCID: PMC8962531